The following is an entry in ClinVar:

NM_014633.5(CTR9):c.520T>C (p.Phe174Leu)

Gene: CTR9 (CTR9 homolog, Paf1/RNA polymerase II complex component; plus strand). Cytogenetic location: 11p15.4.
Variant type: single nucleotide variant.
Coding change: c.520T>C on transcript NM_014633.5 (MANE Select); coding-DNA position 520, T replaced by C.
Protein change: p.Phe174Leu; replaces phenylalanine 174 with leucine.
Molecular consequence: missense variant.
Genome position (GRCh38, 1-based): chr11:10,756,766, T>C. VCF-style: chr11-10756766-T-C. GRCh37 (hg19) VCF-style: chr11-10778313-T-C.
Other names: c.520T>C, p.Phe174Leu (NM_001346279.2); short protein forms F174L.
Identifiers: ClinVar variation 3365385 (VCV003365385.1).
Genomic context (GRCh38, chr11:10,756,766, plus strand): 5'-GCCTTTAATCAGACACTGTGTTTATTTTTAAAAATCATTACAGGTAAAGCTTGCATTTCC[T>C]TCAACAAGAAGGATTACAGAGGAGCTCTTGCTTACTATAAGAAAGCATTGCGTACTAACC-3'
Protein context (NP_055448.1, residues 164-184): PALLGKACIS[Phe174Leu]NKKDYRGALA

ClinVar aggregate classification (germline): Uncertain significance (1 of 4 stars; one submission).

Submission:

GeneDx
Classification: Uncertain significance. Last evaluated: 2023-12-05. Review status: criteria provided, single submitter. Criteria: GeneDx Variant Classification Process June 2021. Collection method: clinical testing. Allele origin: germline. Affected: yes.
Comment: Not observed at significant frequency in large population cohorts (gnomAD); In silico analysis supports that this missense variant has a deleterious effect on protein structure/function; Has not been previously published as pathogenic or benign to our knowledge